The following is an entry in ClinVar:

ClinVar aggregate classification (germline): Conflicting classifications of pathogenicity. Review status: criteria provided, conflicting classifications (1 of 4 stars). 18 submissions from 17 submitters: Uncertain significance (1); Benign (7); Likely benign (6). 4 of the submissions do not count toward it. Last evaluated 2026-09-01.

Conditions:
Monogenic diabetes. Identifiers: Orphanet 183625, MedGen C3888631, MONDO:0015967.
WFS1-Related Spectrum Disorders.
Meniere disease. Also called: Ménière's disease. Identifiers: MedGen C0025281, MONDO:0007972, OMIM 156000.
Autosomal dominant nonsyndromic hearing loss 6 (LFSNHL). Also called: Autosomal dominant nonsyndromic deafness 6; DEAFNESS, AUTOSOMAL DOMINANT 14; DEAFNESS, AUTOSOMAL DOMINANT 38; DEAFNESS, AUTOSOMAL DOMINANT 6. Identifiers: Orphanet 90635, MedGen C1833021, MONDO:0010963, OMIM 600965.
Wolfram syndrome 1 (WFS1). Identifiers: Orphanet 3463, MedGen C4551693, MONDO:0009101, OMIM 222300.

Allele frequency attached by ClinVar (database versions not stated): 1000 Genomes Project 0.00280; 1000 Genomes Project 30x 0.00281; TOPMed 0.00351; ESP Exome Variant Server 0.00377.
gnomAD v4.1: 6,040 of 1,614,054 alleles (0.37%); highest among the groups gnomAD compares: Middle Eastern, 1.5%; 23 homozygotes.

Submissions (18):

CeGaT Center for Human Genetics Tuebingen
Classification: Likely benign. Last evaluated: 2026-09-01. Review status: criteria provided, single submitter. Criteria: CeGaT Center For Human Genetics Tuebingen Variant Classification Criteria Version 2. Collection method: clinical testing. Allele origin: germline. Affected: yes. Observed: 22 variant alleles.
Comment: WFS1: PM5, BS2

Labcorp Genetics (formerly Invitae), Labcorp
Classification: Likely benign. Last evaluated: 2026-01-27. Review status: criteria provided, single submitter. Criteria: Invitae Variant Classification Sherloc (09022015). Collection method: clinical testing. Allele origin: germline.

Blueprint Genetics
Classification: Likely benign. Last evaluated: 2024-11-26. Review status: criteria provided, single submitter. Criteria: ACMG Guidelines, 2015. Collection method: clinical testing. Allele origin: germline.

ARUP Laboratories, Molecular Genetics and Genomics, ARUP Laboratories
Classification: Benign. Last evaluated: 2023-10-26. Review status: criteria provided, single submitter. Criteria: ARUP Molecular Germline Variant Investigation Process 2024. Collection method: clinical testing. Allele origin: germline.

Athena Diagnostics
Classification: Benign. Last evaluated: 2019-12-06. Review status: criteria provided, single submitter. Criteria: Athena Diagnostics Criteria. Collection method: clinical testing. Allele origin: unknown.

Genetic Services Laboratory, University of Chicago
Classification: Benign. Last evaluated: 2019-07-10. Review status: criteria provided, single submitter. Criteria: ACMG Guidelines, 2015. Collection method: clinical testing. Allele origin: germline. Affected: no.

Mendelics
Classification: Likely benign for Wolfram syndrome 1. Last evaluated: 2019-05-28. Review status: criteria provided, single submitter. Criteria: Mendelics Assertion Criteria 2017. Collection method: clinical testing. Allele origin: unknown.

Illumina Laboratory Services, Illumina
Classification: Likely benign for WFS1-Related Spectrum Disorders. Last evaluated: 2018-03-06. Review status: criteria provided, single submitter. Criteria: ICSL Variant Classification Criteria 13 December 2019. Collection method: clinical testing. Allele origin: germline.
Comment: This variant was observed in the ICSL laboratory as part of a predisposition screen in an ostensibly healthy population. It had not been previously curated by ICSL or reported in the Human Gene Mutation Database (HGMD: prior to June 1st, 2018), and was therefore a candidate for classification through an automated scoring system. Utilizing variant allele frequency, disease prevalence and penetrance estimates, and inheritance mode, an automated score was calculated to assess if this variant is too frequent to cause the disease. Based on the score and internal cut-off values, a variant classified as likely benign is not then subjected to further curation. The score for this variant resulted in a classification of likely benign for this disease.

Illumina Laboratory Services, Illumina
Classification: Benign for Autosomal dominant nonsyndromic hearing loss 6. Last evaluated: 2018-03-06. Review status: criteria provided, single submitter. Criteria: ICSL Variant Classification Criteria 13 December 2019. Collection method: clinical testing. Allele origin: germline.
Comment: This variant was observed in the ICSL laboratory as part of a predisposition screen in an ostensibly healthy population. It had not been previously curated by ICSL or reported in the Human Gene Mutation Database (HGMD: prior to June 1st, 2018), and was therefore a candidate for classification through an automated scoring system. Utilizing variant allele frequency, disease prevalence and penetrance estimates, and inheritance mode, an automated score was calculated to assess if this variant is too frequent to cause the disease. Based on the score and internal cut-off values, a variant classified as benign is not then subjected to further curation. The score for this variant resulted in a classification of benign for this disease.

Eurofins Ntd Llc (ga)
Classification: Benign. Last evaluated: 2017-03-09. Review status: criteria provided, single submitter. Criteria: EGL Classification Definitions 2015. Collection method: clinical testing. Allele origin: germline. Observed: 1 variant allele, 1 heterozygote.

Personalized Diabetes Medicine Program, University of Maryland School of Medicine
Classification: Uncertain significance for Monogenic diabetes. Last evaluated: 2016-07-22. Review status: criteria provided, single submitter. Criteria: ACMG Guidelines, 2015. Collection method: research. Allele origin: unknown. Observed: 2 variant alleles, 2 heterozygotes. Study: Personalized Diabetes Medicine Program.
Comment: ACMG Criteria:PP3, BP6 (ClinVar with 2 submitters calling this variant benign/Partners and GeneDx) Notes: no statistical difference between [deafness and DM] and 49 controls with this variant in Domenech et al 2002 EJHG (PMID:12107816).

Genomic Diagnostic Laboratory, Division of Genomic Diagnostics, Children's Hospital of Philadelphia
Classification: Likely benign. Last evaluated: 2015-11-10. Review status: criteria provided, single submitter. Criteria: DGD Variant Analysis Guidelines. Collection method: clinical testing. Allele origin: unknown.

Laboratory for Molecular Medicine, Mass General Brigham Personalized Medicine
Classification: Benign. Last evaluated: 2014-09-26. Review status: criteria provided, single submitter. Criteria: LMM Criteria. Collection method: clinical testing. Allele origin: germline. Observed: 17 variant alleles.
Comment: Leu432Val in exon 08 of WFS1: This variant is not expected to have clinical sign ificance because it has been identified in 0.5% (43/8600) of European American c hromosomes from a broad population by the NHLBI Exome Sequencing Project (dbSNP rs35031397).

GeneDx
Classification: Benign. Last evaluated: 2014-03-28. Review status: criteria provided, single submitter. Criteria: GeneDx Variant Classification (06012015). Collection method: clinical testing. Allele origin: germline. Affected: yes.
Comment: This variant is considered likely benign or benign based on one or more of the following criteria: it is a conservative change, it occurs at a poorly conserved position in the protein, it is predicted to be benign by multiple in silico algorithms, and/or has population frequency not consistent with disease.

Center for Computational Biology & Bioinformatics, University of California, San Diego
Classification: Uncertain significance for Meniere disease. Last evaluated: 2024-06-03. Review status: no assertion criteria provided. Collection method: research. Allele origin: germline. Affected: yes. Not counted in ClinVar's aggregate classification.

Clinical Genetics DNA and cytogenetics Diagnostics Lab, Erasmus MC, Erasmus Medical Center
Classification: Likely benign. Review status: no assertion criteria provided. Collection method: clinical testing. Allele origin: germline. Affected: yes. Study: VKGL Data-share Consensus. Not counted in ClinVar's aggregate classification.

Clinical Genetics, Academic Medical Center
Classification: Benign. Review status: no assertion criteria provided. Collection method: clinical testing. Allele origin: germline. Affected: yes. Study: VKGL Data-share Consensus. Not counted in ClinVar's aggregate classification.

Laboratory of Diagnostic Genome Analysis, Leiden University Medical Center (LUMC)
Classification: Likely benign. Review status: no assertion criteria provided. Collection method: clinical testing. Allele origin: germline. Affected: yes. Study: VKGL Data-share Consensus. Not counted in ClinVar's aggregate classification.

Literature cited by the submitters: PubMed 11244483 (cited by Athena Diagnostics); PubMed 12107816 (cited by Athena Diagnostics and Personalized Diabetes Medicine Program, University of Maryland School of Medicine); PubMed 25133958 (cited by Athena Diagnostics); PubMed 25497598 (cited by Athena Diagnostics); PubMed 20028947 (cited by Athena Diagnostics); PubMed 26969326 (cited by Athena Diagnostics); PubMed 26435059 (cited by Athena Diagnostics); PubMed 24890733 (cited by Athena Diagnostics); PubMed 25842391 (cited by Athena Diagnostics).

NM_006005.3(WFS1):c.1294C>G (p.Leu432Val)

Gene: WFS1 (wolframin ER transmembrane glycoprotein; plus strand). Cytogenetic location: 4p16.1.
Variant type: single nucleotide variant.
Coding change: c.1294C>G on transcript NM_006005.3 (MANE Select); coding-DNA position 1294, C replaced by G.
Protein change: p.Leu432Val; replaces leucine 432 with valine.
Molecular consequence: missense variant.
Genome position (GRCh38, 1-based): chr4:6,301,089, C>G. VCF-style: chr4-6301089-C-G. GRCh37 (hg19) VCF-style: chr4-6302816-C-G.
Other names: p.L432V:CTG>GTG; c.1294C>G, p.Leu432Val (NM_001145853.1); short protein forms L432V.
Identifiers: ClinVar variation 137913 (VCV000137913.76), dbSNP rs35031397, ClinGen allele CA295801.